The following is an entry in ClinVar:

ClinVar aggregate classification (germline): Conflicting classifications of pathogenicity. Review status: criteria provided, conflicting classifications (1 of 4 stars). 3 submissions from 3 submitters: Uncertain significance (1); Likely benign (2). Last evaluated 2025-08-06.

Conditions:
Cardiovascular phenotype. Identifiers: MedGen CN230736.
Long QT syndrome (LQTS). Identifiers: MedGen C0023976, MeSH D008133, MONDO:0002442. Disease mechanism: loss of function. Inheritance: Various modes of inheritance.

Allele frequency attached by ClinVar (database versions not stated): gnomAD exomes 0.00006 and 0.00016; gnomAD 0.00007 and 0.00009; TOPMed 0.00013; ExAC 0.00015; 1000 Genomes Project 30x 0.00016; 1000 Genomes Project 0.00020.
gnomAD v4.1: 95 of 1,602,336 alleles (0.0059%); highest among the groups gnomAD compares: East Asian, 0.06%; no homozygotes.

Submissions (3):

Labcorp Genetics (formerly Invitae), Labcorp
Classification: Uncertain significance for Long QT syndrome. Last evaluated: 2025-08-06. Review status: criteria provided, single submitter. Criteria: Invitae Variant Classification Sherloc (09022015). Collection method: clinical testing. Allele origin: germline.
Comment: This sequence change replaces alanine, which is neutral and non-polar, with threonine, which is neutral and polar, at codon 3903 of the AKAP9 protein (p.Ala3903Thr). This variant is present in population databases (rs201298286, gnomAD 0.1%), and has an allele count higher than expected for a pathogenic variant. This missense change has been observed in individual(s) with atrioventricular nodal reentry tachycardia (PMID: 32508047). ClinVar contains an entry for this variant (Variation ID: 518722). An algorithm developed to predict the effect of missense changes on protein structure and function outputs the following: PolyPhen-2: "Benign". The threonine amino acid residue is found in multiple mammalian species, which suggests that this missense change does not adversely affect protein function. In summary, the available evidence is currently insufficient to determine the role of this variant in disease. Therefore, it has been classified as a Variant of Uncertain Significance.

Blueprint Genetics
Classification: Likely benign. Last evaluated: 2024-09-12. Review status: criteria provided, single submitter. Criteria: ACMG Guidelines, 2015. Collection method: clinical testing. Allele origin: germline.

Ambry Genetics
Classification: Likely benign for Cardiovascular phenotype. Last evaluated: 2017-10-12. Review status: criteria provided, single submitter. Criteria: Ambry Variant Classification Scheme 2023. Collection method: clinical testing. Allele origin: germline.

Literature cited by the submitters: PubMed 32508047 (cited by Labcorp Genetics (formerly Invitae), Labcorp).

NM_005751.5(AKAP9):c.11707G>A (p.Ala3903Thr)

Gene: AKAP9 (A-kinase anchoring protein 9; plus strand). Cytogenetic location: 7q21.2.
Variant type: single nucleotide variant.
Coding change: c.11707G>A on transcript NM_005751.5 (MANE Select); coding-DNA position 11707, G replaced by A.
Protein change: p.Ala3903Thr; replaces alanine 3903 with threonine.
Molecular consequence: missense variant.
Genome position (GRCh38, 1-based): chr7:92,110,142, G>A. VCF-style: chr7-92110142-G-A. GRCh37 (hg19) VCF-style: chr7-91739456-G-A.
Other names: c.6352G>A, p.Ala2118Thr (NM_001379277.1); c.11683G>A, p.Ala3895Thr (NM_147185.3); short protein forms A3903T, A3895T, A2118T.
Identifiers: ClinVar variation 518722 (VCV000518722.13), dbSNP rs201298286, ClinGen allele CA4338288.